The following is an entry in ClinVar:

ClinVar aggregate classification (germline): Pathogenic/Likely pathogenic. Review status: criteria provided, multiple submitters, no conflicts (2 of 4 stars). 2 submissions from 2 submitters: Pathogenic (1); Likely pathogenic (1). Last evaluated 2025-08-12.

Submissions (2):

Labcorp Genetics (formerly Invitae), Labcorp
Classification: Pathogenic. Last evaluated: 2025-08-12. Review status: criteria provided, single submitter. Criteria: Invitae Variant Classification Sherloc (09022015). Collection method: clinical testing. Allele origin: germline.
Comment: This sequence change creates a premature translational stop signal (p.Glu127Valfs*173) in the DUOX2 gene. It is expected to result in an absent or disrupted protein product. Loss-of-function variants in DUOX2 are known to be pathogenic (PMID: 12110737, 18765513, 21565790, 24423310, 24735383). This variant is not present in population databases (gnomAD no frequency). This variant has not been reported in the literature in individuals affected with DUOX2-related conditions. ClinVar contains an entry for this variant (Variation ID: 817429). For these reasons, this variant has been classified as Pathogenic.

GeneDx
Classification: Likely pathogenic. Last evaluated: 2019-01-22. Review status: criteria provided, single submitter. Criteria: GeneDx Variant Classification (06012015). Collection method: clinical testing. Allele origin: germline. Affected: yes.
Comment: The c.380_381delAG variant has not been published as a pathogenic variant, nor has it been reported as a benign variant to our knowledge. The c.380_381delAG variant causes a frameshift starting with codon Glutamic acid, changes this amino acid to a Valine residue and creates a premature Stop codon at position 173 of the new reading frame, denoted p.Glu127ValfsX173. This variant is predicted to cause loss of normal protein function either through protein truncation or nonsense-mediated mRNA decay. Furthermore, the c.380_381delAG variant is not observed in large population cohorts (Lek et al., 2016). Therefore, this variant is likely pathogenic; however, the possibility that it is benign cannot be excluded.

Literature cited by the submitters: PubMed 12110737 (cited by Labcorp Genetics (formerly Invitae), Labcorp); PubMed 18765513 (cited by Labcorp Genetics (formerly Invitae), Labcorp); PubMed 21565790 (cited by Labcorp Genetics (formerly Invitae), Labcorp); PubMed 24423310 (cited by Labcorp Genetics (formerly Invitae), Labcorp); PubMed 24735383 (cited by Labcorp Genetics (formerly Invitae), Labcorp).

NM_001363711.2(DUOX2):c.380_381del (p.Glu127fs)

Gene: DUOX2 (dual oxidase 2; minus strand). Cytogenetic location: 15q21.1.
Variant type: Deletion.
Coding change: c.380_381del on transcript NM_001363711.2 (MANE Select); coding-DNA positions 380 to 381, 2 bases deleted (AG; older notation c.380_381delAG).
Protein change: p.Glu127fs; shifts the reading frame from glutamic acid 127.
Molecular consequence: frameshift variant.
Genome position (GRCh38, 1-based): chr15:45,111,900-45,111,901, CT deleted on the plus strand (AG on the coding strand, the reverse complement: DUOX2 is on the minus strand); deleting any 2 consecutive bases within chr15:45,111,900-45,111,902 gives the same sequence; the c. name uses the placement nearest the transcript's 3' end. VCF-style (leftmost placement, unchanged base first): chr15-45111899-ACT-A. GRCh37 (hg19) VCF-style: chr15-45404097-ACT-A.
Other names: c.380_381delAG (NM_014080.4); c.380_381del, p.Glu127fs (NM_014080.5); short protein forms E127fs.
Identifiers: ClinVar variation 817429 (VCV000817429.2), dbSNP rs1595529163, ClinGen allele CA915946558.